The following is an entry in ClinVar:

ClinVar aggregate classification (germline): Uncertain significance (1 of 4 stars; one submission).

Conditions:
Hereditary cancer-predisposing syndrome. Also called: Neoplastic Syndromes, Hereditary; Tumor predisposition; Hereditary Cancer Syndrome; Hereditary neoplastic syndrome. Identifiers: Orphanet 140162, MedGen C0027672, MeSH D009386, MONDO:0015356.

Submission:

Ambry Genetics
Classification: Uncertain significance for Hereditary cancer-predisposing syndrome. Last evaluated: 2019-08-19. Review status: criteria provided, single submitter. Criteria: Ambry Variant Classification Scheme 2023. Collection method: clinical testing. Allele origin: germline.
Comment: The p.R67S variant (also known as c.201G>T), located in coding exon 2 of the BRCA2 gene, results from a G to T substitution at nucleotide position 201. The arginine at codon 67 is replaced by serine, an amino acid with dissimilar properties. This amino acid position is well conserved in available vertebrate species. In addition, this alteration is predicted to be tolerated by in silico analysis. Since supporting evidence is limited at this time, the clinical significance of this alteration remains unclear.

NM_000059.4(BRCA2):c.201G>T (p.Arg67Ser)

Gene: BRCA2 (BRCA2 DNA repair associated; plus strand). Cytogenetic location: 13q13.1.
Variant type: single nucleotide variant.
Coding change: c.201G>T on transcript NM_000059.4 (MANE Select); coding-DNA position 201, G replaced by T.
Protein change: p.Arg67Ser; replaces arginine 67 with serine.
Molecular consequence: missense variant.
Genome position (GRCh38, 1-based): chr13:32,319,210, G>T. VCF-style: chr13-32319210-G-T. GRCh37 (hg19) VCF-style: chr13-32893347-G-T.
Other names: c.201G>T, p.Arg67Ser (NM_001406719.1, NM_001406720.1, NM_001406721.1); c.-169G>T (NM_001406722.1); short protein forms R67S.
Identifiers: ClinVar variation 1784530 (VCV001784530.2), dbSNP rs1012688095, ClinGen allele CA387754395.